The following is an entry in ClinVar:

ClinVar aggregate classification (germline): Likely benign (1 of 4 stars; one submission).

gnomAD v4.1: 101 of 1,613,436 alleles (0.0063%); highest among the groups gnomAD compares: Non-Finnish European, 0.0078%; no homozygotes.

Submission:

CeGaT Center for Human Genetics Tuebingen
Classification: Likely benign. Last evaluated: 2025-09-01. Review status: criteria provided, single submitter. Criteria: CeGaT Center For Human Genetics Tuebingen Variant Classification Criteria Version 2. Collection method: clinical testing. Allele origin: germline. Affected: yes. Observed: 1 variant allele.
Comment: BRF1: BP4, BP7

NM_001519.4(BRF1):c.1725G>A (p.Thr575=)

Gene: BRF1 (BRF1 general transcription factor IIIB subunit; minus strand). Cytogenetic location: 14q32.33.
Variant type: single nucleotide variant.
Coding change: c.1725G>A on transcript NM_001519.4 (MANE Select); coding-DNA position 1725, G replaced by A.
Protein change: p.Thr575=; no amino-acid change (threonine 575 retained).
Molecular consequence: synonymous variant.
Genome position (GRCh38, 1-based): chr14:105,217,591, C>T on the plus strand (G>A on the coding strand, the complement: BRF1 is on the minus strand). VCF-style: chr14-105217591-C-T. GRCh37 (hg19) VCF-style: chr14-105683928-C-T.
Other names: c.1446G>A, p.Thr482= (NM_001242786.2); c.1380G>A, p.Thr460= (NM_001242787.2); c.1644G>A, p.Thr548= (NM_001242788.2); c.1011G>A, p.Thr337= (NM_001242789.2); c.1722G>A, p.Thr574= (NM_001440449.1); c.1575G>A, p.Thr525= (NM_001440450.1); c.1230G>A, p.Thr410= (NM_001440451.1); c.1212G>A, p.Thr404= (NM_001440452.1); and 3 more.
Identifiers: ClinVar variation 4281128 (VCV004281128.7).
Genomic context (GRCh38, chr14:105,217,591, plus strand): 5'-GACAGGATGGTACCTTTTCCCCACACTGGTCACAGGGTCAGCCCCACTTCTGCTGGCCGG[C>T]GTCCTCCTTCGTGACAGCTTCCTGGCACTGGCGCTATGCTCGGGCTGTGCATCCTCCCTG-3'
Protein context (NP_001510.2, residues 565-585): ASARKLSRRR[Thr575=]PASRSGADPV